The following is an entry in ClinVar:

ClinVar aggregate classification (germline): Uncertain significance (1 of 4 stars; one submission).

Conditions:
Complement component 3 deficiency. Identifiers: Orphanet 280133, MedGen C3151071, MONDO:0013417, OMIM 613779.
C3 glomerulonephritis. Also called: Nephropathy due to CFHR5 Deficiency; C3 GLOMERULOPATHY 3. Identifiers: Orphanet 329931, MedGen C4055342, MONDO:0013892, OMIM 614809.
Atypical hemolytic-uremic syndrome. Identifiers: Orphanet 2134, MedGen C2931788, MONDO:0016244.

gnomAD v4.1: 1 of 1,613,708 alleles (0.000062%); highest among the groups gnomAD compares: Admixed American, 0.0017%; no homozygotes.

Submission:

Genomenon, Inc
Classification: Uncertain significance for Complement component 3 deficiency; C3 glomerulonephritis; Atypical hemolytic-uremic syndrome. Last evaluated: 2025-09-30. Review status: criteria provided, single submitter. Criteria: Genomenon Sequence Variant Interpretation Standards. Collection method: curation. Allele origin: germline. Affected: no.
Comment: C3 p.Ser327Pro (c.979T>C) is a missense variant that changes the amino acid at residue 327 from Serine to Proline. This variant has been reported in the published literature (PMID:30131807). It is absent or not present at a significant frequency in gnomAD. In silico models agree that this variant is not damaging. In conclusion, we classify C3 p.Ser327Pro (c.979T>C) as a variant of unknown significance.

Literature cited by the submitters: PubMed 30131807.

NM_000064.4(C3):c.979T>C (p.Ser327Pro)

Gene: C3 (complement C3; minus strand). Cytogenetic location: 19p13.3.
Variant type: single nucleotide variant.
Coding change: c.979T>C on transcript NM_000064.4 (MANE Select); coding-DNA position 979, T replaced by C.
Protein change: p.Ser327Pro; replaces serine 327 with proline.
Molecular consequence: missense variant.
Genome position (GRCh38, 1-based): chr19:6,713,213, A>G on the plus strand (T>C on the coding strand, the complement: C3 is on the minus strand). VCF-style: chr19-6713213-A-G. GRCh37 (hg19) VCF-style: chr19-6713224-A-G.
Other names: short protein forms S327P.
Identifiers: ClinVar variation 4280283 (VCV004280283.1).